The following is an entry in ClinVar:

ClinVar aggregate classification (germline): Conflicting classifications of pathogenicity. Review status: criteria provided, conflicting classifications (1 of 4 stars). 8 submissions from 8 submitters: Uncertain significance (7); Likely benign (1). Last evaluated 2026-04-03.

Conditions:
SACS-related disorder. Also called: SACS-related condition.
Charlevoix-Saguenay spastic ataxia (SACS). Also called: SPASTIC ATAXIA 6, AUTOSOMAL RECESSIVE; Spastic ataxia of Charlevoix-Saguenay; AUTOSOMAL RECESSIVE SPASTIC ATAXIA OF CHARLEVOIX-SAGUENAY. Identifiers: Orphanet 98, MedGen C1849140, MONDO:0010041, OMIM 270550.
Spastic paraplegia. Identifiers: MedGen C0037772, HP:0001258.

Allele frequency attached by ClinVar (database versions not stated): gnomAD 0.00004 and 0.00005; gnomAD exomes 0.00006 and 0.00009; TOPMed 0.00007; ESP Exome Variant Server 0.00008; ExAC 0.00009; 1000 Genomes Project 0.00040; 1000 Genomes Project 30x 0.00047.

Submissions (8):

Women's Health and Genetics/Laboratory Corporation of America, LabCorp
Classification: Uncertain significance. Last evaluated: 2026-04-03. Review status: criteria provided, single submitter. Criteria: LabCorp Variant Classification Summary - May 2015. Collection method: clinical testing. Allele origin: germline.
Comment: Variant summary: SACS c.4255A>G (p.Ile1419Val) results in a conservative amino acid change in the encoded protein sequence. Algorithms developed to predict the effect of missense changes on protein structure and function are either unavailable or do not agree on the potential impact of this missense change. The variant allele was found at a frequency of 6e-05 in 250572 control chromosomes. This frequency is not significantly higher than estimated for disease-causing variants in SACS, allowing no conclusion about variant significance. To our knowledge, no occurrence of c.4255A>G in individuals affected with SACS-related conditions and no experimental evidence demonstrating its impact on protein function have been reported. ClinVar contains an entry for this variant (Variation ID: 882273). Based on the evidence outlined above, the variant was classified as uncertain significance.

PreventionGenetics, part of Exact Sciences
Classification: Uncertain significance for SACS-related condition. Last evaluated: 2026-02-12. Review status: criteria provided, single submitter. Criteria: ACMG Guidelines, 2015. Collection method: clinical testing. Allele origin: germline.
Comment: The SACS c.4255A>G variant is predicted to result in the amino acid substitution p.Ile1419Val. To our knowledge, this variant has not been reported in the literature. This variant is reported in 0.020% of alleles in individuals of East Asian descent in gnomAD. At this time, the clinical significance of this variant is uncertain due to the absence of conclusive functional and genetic evidence.

Labcorp Genetics (formerly Invitae), Labcorp
Classification: Likely benign for Spastic paraplegia. Last evaluated: 2026-01-19. Review status: criteria provided, single submitter. Criteria: Invitae Variant Classification Sherloc (09022015). Collection method: clinical testing. Allele origin: germline.

Blueprint Genetics
Classification: Uncertain significance. Last evaluated: 2024-10-02. Review status: criteria provided, single submitter. Criteria: ACMG Guidelines, 2015. Collection method: clinical testing. Allele origin: germline.

Mayo Clinic Laboratories, Mayo Clinic
Classification: Uncertain significance. Last evaluated: 2024-04-12. Review status: criteria provided, single submitter. Criteria: ACMG Guidelines, 2015. Collection method: clinical testing. Allele origin: germline. Observed: 1 variant allele.
Comment: PM2

Athena Diagnostics
Classification: Uncertain significance. Last evaluated: 2021-12-27. Review status: criteria provided, single submitter. Criteria: Athena Diagnostics Criteria. Collection method: clinical testing. Allele origin: unknown.

Genome-Nilou Lab
Classification: Uncertain significance for Charlevoix-Saguenay spastic ataxia. Last evaluated: 2021-09-05. Review status: criteria provided, single submitter. Criteria: ACMG Guidelines, 2015. Collection method: clinical testing. Allele origin: germline. Affected: no.

Illumina Laboratory Services, Illumina
Classification: Uncertain significance for Charlevoix-Saguenay spastic ataxia. Last evaluated: 2018-01-12. Review status: criteria provided, single submitter. Criteria: ICSL Variant Classification Criteria 13 December 2019. Collection method: clinical testing. Allele origin: germline.

NM_014363.6(SACS):c.4255A>G (p.Ile1419Val)

Gene: SACS (sacsin molecular chaperone; minus strand). Cytogenetic location: 13q12.12.
Variant type: single nucleotide variant.
Coding change: c.4255A>G on transcript NM_014363.6 (MANE Select); coding-DNA position 4255, A replaced by G.
Protein change: p.Ile1419Val; replaces isoleucine 1419 with valine.
Molecular consequence: missense variant.
Genome position (GRCh38, 1-based): chr13:23,339,621, T>C on the plus strand (A>G on the coding strand, the complement: SACS is on the minus strand). VCF-style: chr13-23339621-T-C. GRCh37 (hg19) VCF-style: chr13-23913760-T-C.
Other names: p.Ile1419Val; c.3814A>G, p.Ile1272Val (NM_001278055.2); short protein forms I1272V, I1419V.
Identifiers: ClinVar variation 882273 (VCV000882273.21), dbSNP rs138245586, ClinGen allele CA6911413.